The following is an entry in ClinVar:

NM_000548.5(TSC2):c.3549G>A (p.Leu1183=)

Gene: TSC2 (TSC complex subunit 2; plus strand). Cytogenetic location: 16p13.3.
Variant type: single nucleotide variant.
Coding change: c.3549G>A on transcript NM_000548.5 (MANE Select); coding-DNA position 3549, G replaced by A.
Protein change: p.Leu1183=; no amino-acid change (leucine 1183 retained).
Molecular consequence: synonymous variant.
Genome position (GRCh38, 1-based): chr16:2,080,316, G>A. VCF-style: chr16-2080316-G-A. GRCh37 (hg19) VCF-style: chr16-2130317-G-A.
Other names: c.3417G>A, p.Leu1139= (NM_001077183.3, NM_001370404.1); c.3549G>A, p.Leu1183= (NM_001114382.3); c.3309G>A, p.Leu1103= (NM_001318827.2); c.3273G>A, p.Leu1091= (NM_001318829.2); c.2817G>A, p.Leu939= (NM_001318831.2); c.3450G>A, p.Leu1150= (NM_001318832.2); c.3420G>A, p.Leu1140= (NM_001363528.2, NM_001370405.1, NM_021055.3).
Identifiers: ClinVar variation 754406 (VCV000754406.11), dbSNP rs1596390611, ClinGen allele CA493043055.

ClinVar aggregate classification (germline): Benign/Likely benign. Review status: criteria provided, multiple submitters, no conflicts (2 of 4 stars). 2 submissions from 2 submitters: Benign (1); Likely benign (1). Last evaluated 2025-05-29.

Conditions:
Tuberous sclerosis 2 (TSC2). Identifiers: Orphanet 805, MedGen C1860707, MONDO:0013199, OMIM 613254.

Submissions (2):

Myriad Genetics, Inc.
Classification: Benign for Tuberous sclerosis 2. Last evaluated: 2025-05-29. Review status: criteria provided, single submitter. Criteria: Myriad Autosomal Dominant, Autosomal Recessive and X-Linked Classification Criteria (2023). Collection method: clinical testing. Allele origin: unknown.
Comment: This variant is considered benign. This variant is a silent/synonymous amino acid change and it is not expected to impact splicing.

Labcorp Genetics (formerly Invitae), Labcorp
Classification: Likely benign for Tuberous sclerosis 2. Last evaluated: 2023-08-01. Review status: criteria provided, single submitter. Criteria: Invitae Variant Classification Sherloc (09022015). Collection method: clinical testing. Allele origin: germline.